The following is an entry in ClinVar:

ClinVar aggregate classification (germline): Uncertain significance (1 of 4 stars; one submission).

Submission:

Labcorp Genetics (formerly Invitae), Labcorp
Classification: Uncertain significance. Last evaluated: 2022-04-11. Review status: criteria provided, single submitter. Criteria: Invitae Variant Classification Sherloc (09022015). Collection method: clinical testing. Allele origin: germline.
Comment: In summary, the available evidence is currently insufficient to determine the role of this variant in disease. Therefore, it has been classified as a Variant of Uncertain Significance. Algorithms developed to predict the effect of missense changes on protein structure and function are either unavailable or do not agree on the potential impact of this missense change (SIFT: "Not Available"; PolyPhen-2: "Benign"; Align-GVGD: "Not Available"). This variant has not been reported in the literature in individuals affected with MAPKBP1-related conditions. This variant is present in population databases (no rsID available, gnomAD 0.08%). This sequence change replaces glycine, which is neutral and non-polar, with threonine, which is neutral and polar, at codon 1239 of the MAPKBP1 protein (p.Gly1239Thr).

NM_014994.3(MAPKBP1):c.3697_3698delinsAC (p.Gly1233Thr)

Gene: MAPKBP1 (mitogen-activated protein kinase binding protein 1; plus strand). Cytogenetic location: 15q15.1.
Variant type: Indel.
Coding change: c.3697_3698delinsAC on transcript NM_014994.3 (MANE Select); coding-DNA positions 3697 to 3698, GG replaced by AC.
Protein change: p.Gly1233Thr; replaces glycine 1233 with threonine.
Molecular consequence: missense variant. On other transcripts: non-coding transcript variant (2), intron variant (1).
Genome position (GRCh38, 1-based): chr15:41,823,545-41,823,546, GG replaced by AC. VCF-style: chr15-41823545-GG-AC. GRCh37 (hg19) VCF-style: chr15-42115743-GG-AC.
Other names: c.3715_3716delinsAC, p.Gly1239Thr (NM_001128608.2); c.3382+539_3382+540delinsAC (NM_001265611.2); short protein forms G1233T, G1239T.
Identifiers: ClinVar variation 1925624 (VCV001925624.5), dbSNP rs2551107430, ClinGen allele CA2580089391.